The following is an entry in ClinVar:

NC_000007.13:g.(?_147600637)_(147600833_?)dup

Gene: CNTNAP2 (contactin associated protein 2; plus strand). Cytogenetic location: 7q35.
Variant type: Duplication.
Identifiers: ClinVar variation 1518777 (VCV001518777.7).

ClinVar aggregate classification (germline): Likely pathogenic (1 of 4 stars; one submission).

Conditions:
Cortical dysplasia-focal epilepsy syndrome (PTHSL1). Also called: Pitt-Hopkins-like syndrome 1. Identifiers: Orphanet 163681, Orphanet 221150, MedGen C2750246, MONDO:0012400, OMIM 610042.

Submission:

Labcorp Genetics (formerly Invitae), Labcorp
Classification: Likely pathogenic for Cortical dysplasia-focal epilepsy syndrome. Last evaluated: 2022-02-02. Review status: criteria provided, single submitter. Criteria: Invitae Variant Classification Sherloc (09022015). Collection method: clinical testing. Allele origin: germline.
Comment: In summary, the currently available evidence indicates that the variant is pathogenic, but additional data are needed to prove that conclusively. Therefore, this variant has been classified as Likely Pathogenic. This variant has not been reported in the literature in individuals affected with CNTNAP2-related conditions. This variant results in a copy number gain of the genomic region encompassing exon(s) 14 of the CNTNAP2 gene. While the exact position of this variant cannot be determined from the data, sub-genic copy number gains are generally in tandem (PMID: 25640679). This variant is predicted to be out-of-frame, and may result in an absent or disrupted protein product. Loss-of-function variants in CNTNAP2 are known to be pathogenic (PMID: 19896112, 21827697, 25045150, 26843181, 27439707).

Literature cited by the submitters: PubMed 25640679; PubMed 19896112; PubMed 21827697; PubMed 25045150; PubMed 26843181; PubMed 27439707.